The following is an entry in ClinVar:

NM_017841.4(SDHAF2):c.263T>C (p.Leu88Pro)

Gene: SDHAF2 (succinate dehydrogenase complex assembly factor 2; plus strand). Cytogenetic location: 11q12.2.
Variant type: single nucleotide variant.
Coding change: c.263T>C on transcript NM_017841.4 (MANE Select); coding-DNA position 263, T replaced by C.
Protein change: p.Leu88Pro; replaces leucine 88 with proline.
Molecular consequence: missense variant.
Genome position (GRCh38, 1-based): chr11:61,438,006, T>C. VCF-style: chr11-61438006-T-C. GRCh37 (hg19) VCF-style: chr11-61205478-T-C.
Other names: short protein forms L88P.
Identifiers: ClinVar variation 2089800 (VCV002089800.4), dbSNP rs2540124782, ClinGen allele CA380684015.
Genomic context (GRCh38, chr11:61,438,006, plus strand): 5'-TCTTTTATTAGACACAGCCTTCTCAACCTCTTTTTCTTTTTTTCTTTCTTGTTTTTAGTC[T>C]TTTTGCTAAAGAACATCTGCAGCACATGACAGAAAAGCAGCTGAACCTCTATGACCGCCT-3'
Protein context (NP_060311.1, residues 78-98): GMLENCILLS[Leu88Pro]FAKEHLQHMT

ClinVar aggregate classification (germline): Uncertain significance (1 of 4 stars; one submission).

Conditions:
Hereditary pheochromocytoma and paraganglioma. Also called: Hereditary paragangliomas and pheochromocytomas; Hereditary Paraganglioma-Pheochromocytoma Syndromes; Hereditary pheochromocytoma-paraganglioma. Identifiers: Orphanet 29072, MedGen C4274332, MONDO:0017366.

Submission:

Labcorp Genetics (formerly Invitae), Labcorp
Classification: Uncertain significance for Hereditary pheochromocytoma and paraganglioma. Last evaluated: 2022-01-26. Review status: criteria provided, single submitter. Criteria: Invitae Variant Classification Sherloc (09022015). Collection method: clinical testing. Allele origin: germline.
Comment: This sequence change replaces leucine, which is neutral and non-polar, with proline, which is neutral and non-polar, at codon 88 of the SDHAF2 protein (p.Leu88Pro). In summary, the available evidence is currently insufficient to determine the role of this variant in disease. Therefore, it has been classified as a Variant of Uncertain Significance. Algorithms developed to predict the effect of missense changes on protein structure and function are either unavailable or do not agree on the potential impact of this missense change (SIFT: "Tolerated"; PolyPhen-2: "Probably Damaging"; Align-GVGD: "Class C0"). This variant has not been reported in the literature in individuals affected with SDHAF2-related conditions. This variant is not present in population databases (gnomAD no frequency).